The following is an entry in ClinVar:

NM_000136.3(FANCC):c.1022T>G (p.Phe341Cys)

Genes: FANCC (FA complementation group C; minus strand), AOPEP (aminopeptidase O (putative); plus strand). Cytogenetic location: 9q22.32.
Variant type: single nucleotide variant.
Coding change: c.1022T>G on transcript NM_000136.3 (MANE Select); coding-DNA position 1022, T replaced by G.
Protein change: p.Phe341Cys; replaces phenylalanine 341 with cysteine.
Molecular consequence: missense variant.
Genome position (GRCh38, 1-based): chr9:95,117,365, A>C on the plus strand (T>G on the coding strand, the complement: FANCC is on the minus strand). VCF-style: chr9-95117365-A-C. GRCh37 (hg19) VCF-style: chr9-97879647-A-C.
Other names: c.1022T>G, p.Phe341Cys (NM_001243743.2, NM_001243744.2); short protein forms F341C.
Identifiers: ClinVar variation 1764596 (VCV001764596.3), dbSNP rs2540992171, ClinGen allele CA374108188.
Genomic context (GRCh38, chr9:95,117,365, plus strand): 5'-CCTAACTCACCTTGAGGGTCTTGCAGCAGCACCATGGCAAGAGATGGAGAAGTGTAAGGA[A>C]AGTAGGTCTTGAGTGCAAACCGCAGCTGCCACAGGATGGAAAATCCAAAGAGCATGAACA-3'
Protein context (NP_000127.2, residues 331-351): KQLRFALKTY[Phe341Cys]PYTSPSLAMV

ClinVar aggregate classification (germline): Uncertain significance. Review status: criteria provided, multiple submitters, no conflicts (2 of 4 stars). 2 submissions from 2 submitters: Uncertain significance (2). Last evaluated 2022-06-30.

Conditions:
Hereditary cancer-predisposing syndrome. Also called: Neoplastic Syndromes, Hereditary; Tumor predisposition; Hereditary Cancer Syndrome; Hereditary neoplastic syndrome. Identifiers: Orphanet 140162, MedGen C0027672, MeSH D009386, MONDO:0015356.

Submissions (2):

GeneDx
Classification: Uncertain significance. Last evaluated: 2022-06-30. Review status: criteria provided, single submitter. Criteria: GeneDx Variant Classification Process June 2021. Collection method: clinical testing. Allele origin: germline. Affected: yes.
Comment: Not observed at significant frequency in large population cohorts (gnomAD); In silico analysis supports that this missense variant has a deleterious effect on protein structure/function; Has not been previously published as pathogenic or benign to our knowledge; This variant is associated with the following publications: (PMID: Gordon2000[Book])

Ambry Genetics
Classification: Uncertain significance for Hereditary cancer-predisposing syndrome. Last evaluated: 2021-11-15. Review status: criteria provided, single submitter. Criteria: Ambry Variant Classification Scheme 2023. Collection method: clinical testing. Allele origin: germline.
Comment: The p.F341C variant (also known as c.1022T>G), located in coding exon 10 of the FANCC gene, results from a T to G substitution at nucleotide position 1022. The phenylalanine at codon 341 is replaced by cysteine, an amino acid with highly dissimilar properties. This amino acid position is conserved. In addition, this alteration is predicted to be deleterious by in silico analysis. Since supporting evidence is limited at this time, the clinical significance of this alteration remains unclear.